The following is an entry in ClinVar:

ClinVar aggregate classification (germline): Pathogenic. Review status: criteria provided, single submitter (1 of 4 stars). 2 submissions from 2 submitters: Pathogenic (1). 1 of the submissions does not count toward it. Last evaluated 2024-02-02.

Conditions:
CCDC40-related disorder. Also called: CCDC40-related condition.
Primary ciliary dyskinesia. Also called: Ciliary dyskinesia. Identifiers: Orphanet 244, MedGen C0008780, MONDO:0016575, HP:0012265.

gnomAD v4.1: 11 of 1,614,072 alleles (0.00068%); highest among the groups gnomAD compares: Admixed American, 0.0017%; no homozygotes.

Submissions (2):

Labcorp Genetics (formerly Invitae), Labcorp
Classification: Pathogenic for Primary ciliary dyskinesia. Last evaluated: 2024-02-02. Review status: criteria provided, single submitter. Criteria: Invitae Variant Classification Sherloc (09022015). Collection method: clinical testing. Allele origin: germline.
Comment: This sequence change affects an acceptor splice site in intron 16 of the CCDC40 gene. It is expected to disrupt RNA splicing. Variants that disrupt the donor or acceptor splice site typically lead to a loss of protein function (PMID: 16199547), and loss-of-function variants in CCDC40 are known to be pathogenic (PMID: 21131974, 22693285, 23255504). This variant is present in population databases (no rsID available, gnomAD 0.004%). Disruption of this splice site has been observed in individual(s) with primary ciliary dyskinesia (PMID: 22693285, 33715250; Invitae). ClinVar contains an entry for this variant (Variation ID: 454885). Algorithms developed to predict the effect of sequence changes on RNA splicing suggest that this variant may disrupt the consensus splice site. For these reasons, this variant has been classified as Pathogenic.

PreventionGenetics, part of Exact Sciences
Classification: Pathogenic for CCDC40-related condition. Last evaluated: 2024-06-19. Review status: no assertion criteria provided. Collection method: clinical testing. Allele origin: germline. Not counted in ClinVar's aggregate classification.
Comment: The CCDC40 c.2712-1G>A variant is predicted to disrupt the AG splice acceptor site and interfere with normal splicing. This variant has been reported in the homozygous state in individuals with primary ciliary dyskinesia (Yiallouros et al. 2021. PubMed ID: 33715250). Another variant in the AG splice acceptor site (c.2712-1G>T) has been reported in individuals with primary ciliary dyskinesia (Blanchon et al. 2012. PubMed ID: 22693285). This variant is reported in 0.0041% of alleles in individuals of African descent in gnomAD. Variants that disrupt the consensus splice acceptor site in CCDC40 are expected to be pathogenic. This variant is interpreted as pathogenic.

Literature cited by the submitters: PubMed 16199547 (cited by Labcorp Genetics (formerly Invitae), Labcorp); PubMed 21131974 (cited by Labcorp Genetics (formerly Invitae), Labcorp); PubMed 22693285 (cited by Labcorp Genetics (formerly Invitae), Labcorp); PubMed 23255504 (cited by Labcorp Genetics (formerly Invitae), Labcorp); PubMed 33715250 (cited by Labcorp Genetics (formerly Invitae), Labcorp).

NM_017950.4(CCDC40):c.2712-1G>A

Gene: CCDC40 (coiled-coil domain 40 molecular ruler complex subunit; plus strand). Cytogenetic location: 17q25.3.
Variant type: single nucleotide variant.
Coding change: c.2712-1G>A on transcript NM_017950.4 (MANE Select); the canonical splice acceptor site of the intron before coding-DNA position 2712, G replaced by A.
Molecular consequence: splice acceptor variant.
Genome position (GRCh38, 1-based): chr17:80,089,763, G>A. VCF-style: chr17-80089763-G-A. GRCh37 (hg19) VCF-style: chr17-78063562-G-A.
Other names: c.2712-1G>A (NM_001243342.2).
Identifiers: ClinVar variation 454885 (VCV000454885.9), dbSNP rs370706991, ClinGen allele CA401350743.